The following is an entry in ClinVar:

ClinVar aggregate classification (germline): Uncertain significance. Review status: criteria provided, multiple submitters, no conflicts (2 of 4 stars). 4 submissions from 4 submitters: Uncertain significance (4). Last evaluated 2025-10-02.

Conditions:
Congenital myasthenic syndrome 8. Also called: Myasthenic syndrome, congenital, 8, with pre- and postsynaptic defects; MYASTHENIC SYNDROME, CONGENITAL, DUE TO AGRIN DEFICIENCY. Identifiers: Orphanet 590, MedGen C3808739, MONDO:0014052, OMIM 615120.
Inborn genetic diseases. Identifiers: MedGen C0950123, MeSH D030342.

Allele frequency attached by ClinVar (database versions not stated): ExAC 0.00001; gnomAD 0.00001; gnomAD exomes 0.00002; ESP Exome Variant Server 0.00008.
gnomAD v4.1: 7 of 1,613,212 alleles (0.00043%); highest among the groups gnomAD compares: Admixed American, 0.0033%; no homozygotes.

Submissions (4):

Labcorp Genetics (formerly Invitae), Labcorp
Classification: Uncertain significance for Congenital myasthenic syndrome 8. Last evaluated: 2025-10-02. Review status: criteria provided, single submitter. Criteria: Invitae Variant Classification Sherloc (09022015). Collection method: clinical testing. Allele origin: germline.
Comment: This sequence change replaces serine, which is neutral and polar, with isoleucine, which is neutral and non-polar, at codon 137 of the AGRN protein (p.Ser137Ile). This variant is present in population databases (rs376542441, gnomAD 0.006%). This variant has not been reported in the literature in individuals affected with AGRN-related conditions. ClinVar contains an entry for this variant (Variation ID: 847468). An algorithm developed to predict the effect of missense changes on protein structure and function (PolyPhen-2) suggests that this variant is likely to be tolerated. In summary, the available evidence is currently insufficient to determine the role of this variant in disease. Therefore, it has been classified as a Variant of Uncertain Significance.

Ambry Genetics
Classification: Uncertain significance for Inborn genetic diseases. Last evaluated: 2023-11-27. Review status: criteria provided, single submitter. Criteria: Ambry Variant Classification Scheme 2023. Collection method: clinical testing. Allele origin: germline.

Revvity Omics, Revvity
Classification: Uncertain significance for Congenital myasthenic syndrome 8. Last evaluated: 2022-10-19. Review status: criteria provided, single submitter. Criteria: ACMG Guidelines, 2015. Collection method: clinical testing. Allele origin: germline.

Blueprint Genetics
Classification: Uncertain significance. Last evaluated: 2019-09-11. Review status: criteria provided, single submitter. Criteria: ACMG Guidelines, 2015. Collection method: clinical testing. Allele origin: germline.

NM_198576.4(AGRN):c.410G>T (p.Ser137Ile)

Genes: AGRN (agrin; plus strand), LOC126805576 (P300/CBP strongly-dependent group 1 enhancer GRCh37_chr1:956772-957971; plus strand). Cytogenetic location: 1p36.33.
Variant type: single nucleotide variant.
Coding change: c.410G>T on transcript NM_198576.4 (MANE Select); coding-DNA position 410, G replaced by T.
Protein change: p.Ser137Ile; replaces serine 137 with isoleucine.
Molecular consequence: missense variant.
Genome position (GRCh38, 1-based): chr1:1,022,409, G>T. VCF-style: chr1-1022409-G-T. GRCh37 (hg19) VCF-style: chr1-957789-G-T.
Other names: c.410G>T, p.Ser137Ile (NM_001305275.2); short protein forms S137I.
Identifiers: ClinVar variation 847468 (VCV000847468.14), dbSNP rs376542441, ClinGen allele CA507815.
Genomic context (GRCh38, chr1:1,022,409, plus strand): 5'-TGAACCCTGCACCCCCATACCTGTGGCCAGCCCACAAGAACGAGCTGATGCTCAACTCCA[G>T]CCTCATGCGGATCACCCTGCGGAACCTGGAGGAGGTGGAGTTCTGTGTGGAAGGTGCGTG-3'
Protein context (NP_940978.2, residues 127-147): AHKNELMLNS[Ser137Ile]LMRITLRNLE